The following is an entry in ClinVar:

ClinVar aggregate classification (germline): Likely pathogenic (1 of 4 stars; one submission).

Conditions:
Zellweger spectrum disorders (ZS). Also called: Zellweger Spectrum Disorder (ZSD); Zellweger syndrome; Zellweger Spectrum Disorder; Zellweger Spectrum. Identifiers: Orphanet 912, MedGen C0043459, MONDO:0019609.

Submission:

Natera, Inc.
Classification: Likely pathogenic for Zellweger syndrome. Last evaluated: 2024-11-04. Review status: criteria provided, single submitter. Criteria: Natera Variant Classification Schema (03/2026). Collection method: clinical testing. Allele origin: germline.
Comment: The c.15del variant in PEX2 is a frameshift variant predicted to shift the reading frame beginning at codon 6 and leads to a stop codon 10 codons downstream. This variant is expected to result in nonsense mediated decay, truncation, or a dysfunctional protein product. This variant is rare in the general population with a frequency below the threshold expected for the associated phenotype(s). Given the available evidence, this variant is classified as Likely Pathogenic.

NM_000318.3(PEX2):c.15del (p.Glu6fs)

Gene: PEX2 (peroxisomal biogenesis factor 2; minus strand). Cytogenetic location: 8q21.13.
Variant type: Deletion.
Coding change: c.15del on transcript NM_000318.3 (MANE Select); coding-DNA position 15, one base deleted (A; older notation c.15delA).
Protein change: p.Glu6fs; shifts the reading frame from glutamic acid 6.
Molecular consequence: frameshift variant.
Genome position (GRCh38, 1-based): chr8:76,984,164, T deleted on the plus strand (A on the coding strand, the reverse complement: PEX2 is on the minus strand); the first of 4 consecutive T bases (chr8:76,984,164-76,984,167); deleting any one gives the same sequence. VCF-style (leftmost placement, unchanged base first): chr8-76984163-CT-C. GRCh37 (hg19) VCF-style: chr8-77896399-CT-C.
Other names: c.15del, p.Glu6fs (NM_001079867.2, NM_001172086.2, NM_001172087.2); short protein forms E6fs.
Identifiers: ClinVar variation 4818155 (VCV004818155.1).